The following is an entry in ClinVar:

NM_006346.4(PIBF1):c.2056G>A (p.Ala686Thr)

Gene: PIBF1 (progesterone immunomodulatory binding factor 1; plus strand). Cytogenetic location: 13q22.1.
Variant type: single nucleotide variant.
Coding change: c.2056G>A on transcript NM_006346.4 (MANE Select); coding-DNA position 2056, G replaced by A.
Protein change: p.Ala686Thr; replaces alanine 686 with threonine.
Molecular consequence: missense variant. On other transcripts: non-coding transcript variant (2).
Genome position (GRCh38, 1-based): chr13:72,998,828, G>A. VCF-style: chr13-72998828-G-A. GRCh37 (hg19) VCF-style: chr13-73572966-G-A.
Other names: c.2143G>A, p.Ala715Thr (NM_001349655.2); c.2056G>A (NM_006346.2); short protein forms A686T, A715T.
Identifiers: ClinVar variation 1524660 (VCV001524660.4), dbSNP rs771170728, ClinGen allele CA7002525.
Genomic context (GRCh38, chr13:72,998,828, plus strand): 5'-GTCTGCTTGCTAAAATCACTCTTGCTACTTTCTTCTGTTTTCATATATCAACAGGAATTG[G>A]CAGCAATGAAACAGATTCTCGTTAAGATGCATAGTAAACATTCTGAGAACAGCTTACTTC-3'
Protein context (NP_006337.2, residues 676-696): EQLLNHREEL[Ala686Thr]AMKQILVKMH

ClinVar aggregate classification (germline): Uncertain significance. Review status: criteria provided, multiple submitters, no conflicts (2 of 4 stars). 2 submissions from 2 submitters: Uncertain significance (2). Last evaluated 2025-10-15.

Conditions:
Inborn genetic diseases. Identifiers: MedGen C0950123, MeSH D030342.

Allele frequency attached by ClinVar (database versions not stated): TOPMed 0.00004; gnomAD 0.00001; ExAC 0.00008; gnomAD exomes 0.00003 and 0.00015.
gnomAD v4.1: 49 of 1,609,862 alleles (0.003%); highest among the groups gnomAD compares: Admixed American, 0.074%; no homozygotes.

Submissions (2):

Ambry Genetics
Classification: Uncertain significance for Inborn genetic diseases. Last evaluated: 2025-10-15. Review status: criteria provided, single submitter. Criteria: Ambry Variant Classification Scheme 2023. Collection method: clinical testing. Allele origin: germline.

Labcorp Genetics (formerly Invitae), Labcorp
Classification: Uncertain significance. Last evaluated: 2022-08-23. Review status: criteria provided, single submitter. Criteria: Invitae Variant Classification Sherloc (09022015). Collection method: clinical testing. Allele origin: germline.
Comment: This sequence change replaces alanine, which is neutral and non-polar, with threonine, which is neutral and polar, at codon 686 of the PIBF1 protein (p.Ala686Thr). This variant is present in population databases (rs771170728, gnomAD 0.1%). This variant has not been reported in the literature in individuals affected with PIBF1-related conditions. ClinVar contains an entry for this variant (Variation ID: 1524660). Algorithms developed to predict the effect of missense changes on protein structure and function are either unavailable or do not agree on the potential impact of this missense change (SIFT: "Tolerated"; PolyPhen-2: "Possibly Damaging"; Align-GVGD: "Class C0"). In summary, the available evidence is currently insufficient to determine the role of this variant in disease. Therefore, it has been classified as a Variant of Uncertain Significance.